The following is an entry in ClinVar:

ClinVar aggregate classification (germline): Uncertain significance. Review status: criteria provided, multiple submitters, no conflicts (2 of 4 stars). 2 submissions from 2 submitters: Uncertain significance (2). Last evaluated 2025-12-11.

Allele frequency attached by ClinVar (database versions not stated): gnomAD 0.00004 and 0.00006; gnomAD exomes 0.00005 and 0.00009; TOPMed 0.00009; ExAC 0.00017; 1000 Genomes Project 30x 0.00031; 1000 Genomes Project 0.00040.
gnomAD v4.1: 84 of 1,605,092 alleles (0.0052%); highest among the groups gnomAD compares: Middle Eastern, 0.083%; no homozygotes.

Submissions (2):

Labcorp Genetics (formerly Invitae), Labcorp
Classification: Uncertain significance. Last evaluated: 2025-12-11. Review status: criteria provided, single submitter. Criteria: Invitae Variant Classification Sherloc (09022015). Collection method: clinical testing. Allele origin: germline.
Comment: This sequence change replaces lysine, which is basic and polar, with arginine, which is basic and polar, at codon 1692 of the MYO18B protein (p.Lys1692Arg). This variant is present in population databases (rs565024132, gnomAD 0.04%). This variant has not been reported in the literature in individuals affected with MYO18B-related conditions. ClinVar contains an entry for this variant (Variation ID: 1524724). An algorithm developed to predict the effect of missense changes on protein structure and function (PolyPhen-2) suggests that this variant is likely to be tolerated. In summary, the available evidence is currently insufficient to determine the role of this variant in disease. Therefore, it has been classified as a Variant of Uncertain Significance.

GeneDx
Classification: Uncertain significance. Last evaluated: 2022-02-19. Review status: criteria provided, single submitter. Criteria: GeneDx Variant Classification Process June 2021. Collection method: clinical testing. Allele origin: germline. Affected: yes.
Comment: In silico analysis supports that this missense variant does not alter protein structure/function; Has not been previously published as pathogenic or benign to our knowledge

NM_032608.7(MYO18B):c.5075A>G (p.Lys1692Arg)

Gene: MYO18B (myosin XVIIIB; plus strand). Cytogenetic location: 22q12.1.
Variant type: single nucleotide variant.
Coding change: c.5075A>G on transcript NM_032608.7 (MANE Select); coding-DNA position 5075, A replaced by G.
Protein change: p.Lys1692Arg; replaces lysine 1692 with arginine.
Molecular consequence: missense variant.
Genome position (GRCh38, 1-based): chr22:25,903,758, A>G. VCF-style: chr22-25903758-A-G. GRCh37 (hg19) VCF-style: chr22-26299725-A-G.
Other names: c.5078A>G, p.Lys1693Arg (NM_001318245.2); short protein forms K1693R, K1692R.
Identifiers: ClinVar variation 1524724 (VCV001524724.8), dbSNP rs565024132, ClinGen allele CA10161059.